The following is an entry in ClinVar:

NM_001032386.2(SUOX):c.941C>G (p.Ala314Gly)

Gene: SUOX (sulfite oxidase; plus strand). Cytogenetic location: 12q13.2.
Variant type: single nucleotide variant.
Coding change: c.941C>G on transcript NM_001032386.2 (MANE Select); coding-DNA position 941, C replaced by G.
Protein change: p.Ala314Gly; replaces alanine 314 with glycine.
Molecular consequence: missense variant.
Genome position (GRCh38, 1-based): chr12:56,004,330, C>G. VCF-style: chr12-56004330-C-G. GRCh37 (hg19) VCF-style: chr12-56398114-C-G.
Other names: c.941C>G (NM_000456.2); c.941C>G, p.Ala314Gly (NM_000456.3, NM_001032387.2); short protein forms A314G.
Identifiers: ClinVar variation 1037699 (VCV001037699.6), dbSNP rs1217148232, ClinGen allele CA385289675.

ClinVar aggregate classification (germline): Uncertain significance. Review status: criteria provided, multiple submitters, no conflicts (2 of 4 stars). 2 submissions from 2 submitters: Uncertain significance (2). Last evaluated 2025-06-18.

Conditions:
Inborn genetic diseases. Identifiers: MedGen C0950123, MeSH D030342.
Sulfite oxidase deficiency. Also called: Isolated sulfite oxidase deficiency. Identifiers: Orphanet 833, Orphanet 99731, MedGen C0268624, MONDO:0010089, OMIM 272300, HP:0003643.

Allele frequency attached by ClinVar (database versions not stated): gnomAD exomes below 0.00001; gnomAD 0.00003; TOPMed 0.00003.
gnomAD v4.1: 7 of 1,613,976 alleles (0.00043%); highest among the groups gnomAD compares: Non-Finnish European, 0.00059%; no homozygotes.

Submissions (2):

Ambry Genetics
Classification: Uncertain significance for Inborn genetic diseases. Last evaluated: 2025-06-18. Review status: criteria provided, single submitter. Criteria: Ambry Variant Classification Scheme 2023. Collection method: clinical testing. Allele origin: germline.

Labcorp Genetics (formerly Invitae), Labcorp
Classification: Uncertain significance for Sulfite oxidase deficiency. Last evaluated: 2022-04-15. Review status: criteria provided, single submitter. Criteria: Invitae Variant Classification Sherloc (09022015). Collection method: clinical testing. Allele origin: germline.
Comment: This sequence change replaces alanine, which is neutral and non-polar, with glycine, which is neutral and non-polar, at codon 314 of the SUOX protein (p.Ala314Gly). This variant is not present in population databases (gnomAD no frequency). This variant has not been reported in the literature in individuals affected with SUOX-related conditions. ClinVar contains an entry for this variant (Variation ID: 1037699). Algorithms developed to predict the effect of missense changes on protein structure and function (SIFT, PolyPhen-2, Align-GVGD) all suggest that this variant is likely to be tolerated. In summary, the available evidence is currently insufficient to determine the role of this variant in disease. Therefore, it has been classified as a Variant of Uncertain Significance.